The following is an entry in ClinVar:

ClinVar aggregate classification (germline): Pathogenic (1 of 4 stars; one submission).

Conditions:
Kleefstra syndrome 1 (KLEFS1). Identifiers: Orphanet 261494, MedGen C0795833, MONDO:0027407, OMIM 610253.

Submission:

Institute of Human Genetics, University of Leipzig Medical Center
Classification: Pathogenic for Kleefstra syndrome 1. Last evaluated: 2025-05-28. Review status: criteria provided, single submitter. Criteria: ACMG Guidelines, 2015. Collection method: clinical testing. Allele origin: unknown. Inheritance: Autosomal dominant inheritance. Affected: yes.
Comment: Criteria applied: PVS1,PM2

NM_024757.5(EHMT1):c.2031dup (p.Pro678fs)

Gene: EHMT1 (euchromatic histone lysine methyltransferase 1; plus strand). Cytogenetic location: 9q34.3.
Variant type: Duplication.
Coding change: c.2031dup on transcript NM_024757.5 (MANE Select); coding-DNA position 2031, one base duplicated (A; older notation c.2031dupA).
Protein change: p.Pro678fs; shifts the reading frame from proline 678.
Molecular consequence: frameshift variant.
Genome position (GRCh38, 1-based): chr9:137,777,894, A duplicated. VCF-style (leftmost placement, unchanged base first): chr9-137777893-C-CA. GRCh37 (hg19) VCF-style: chr9-140672345-C-CA.
Other names: c.2031dup, p.Pro678fs (NM_001145527.2); c.1938dup, p.Pro647fs (NM_001354259.2); c.2010dup, p.Pro671fs (NM_001354263.2); short protein forms P647fs, P671fs, P678fs.
Identifiers: ClinVar variation 3901168 (VCV003901168.1).